The following is an entry in ClinVar:

ClinVar aggregate classification (germline): Pathogenic. Review status: criteria provided, multiple submitters, no conflicts (2 of 4 stars). 3 submissions from 3 submitters: Pathogenic (3). Last evaluated 2025-11-19.

Conditions:
Myofibrillar myopathy 5. Also called: Filaminopathy (type); FILAMINOPATHY, AUTOSOMAL DOMINANT. Identifiers: Orphanet 171445, MedGen C1836050, MONDO:0012289, OMIM 609524.
Hypertrophic cardiomyopathy 26. Also called: Cardiomyopathy, familial hypertrophic, 26. Identifiers: Orphanet 75249, MedGen C4310749, MONDO:0014883, OMIM 617047.
Distal myopathy with posterior leg and anterior hand involvement. Also called: WILLIAMS DISTAL MYOPATHY. Identifiers: Orphanet 63273, MedGen C3279722, MONDO:0013550, OMIM 614065.
Cardiovascular phenotype. Identifiers: MedGen CN230736.

Submissions (3):

Ambry Genetics
Classification: Pathogenic for Cardiovascular phenotype. Last evaluated: 2025-11-19. Review status: criteria provided, single submitter. Criteria: Ambry Variant Classification Scheme 2023. Collection method: clinical testing. Allele origin: germline.
Comment: The c.2390-10_2406del27 gross deletion includes at least a portion of coding exon 16 and involves the canonical splice acceptor site before coding exon 16 of the FLNC gene. This variant is considered to be rare based on population cohorts in the Genome Aggregation Database (gnomAD). The canonical splice acceptor site is highly conserved in available vertebrate species. In silico splice site analysis predicts that this alteration will weaken the native splice acceptor site; however, the exact impact of this deletion on splicing and function is currently unknown. Alterations that disrupt the canonical splice site are expected to cause aberrant splicing, resulting in an abnormal protein or a transcript that is subject to nonsense-mediated mRNA decay. Based on the supporting evidence, this variant is interpreted as a disease-causing mutation for FLNC-related dilated cardiomyopathy, however, its clinical significance for FLNC-related hypertrophy/ restrictive cardiomyopathy and/or skeletal myopathy is uncertain.

Labcorp Genetics (formerly Invitae), Labcorp
Classification: Pathogenic for Distal myopathy with posterior leg and anterior hand involvement; Myofibrillar myopathy 5; Hypertrophic cardiomyopathy 26. Last evaluated: 2025-05-04. Review status: criteria provided, single submitter. Criteria: Invitae Variant Classification Sherloc (09022015). Collection method: clinical testing. Allele origin: germline.
Comment: This variant results in the deletion of part of exon 16 (c.2390-10_2406del) of the FLNC gene. It is expected to disrupt RNA splicing. Variants that disrupt the donor or acceptor splice site typically lead to a loss of protein function (PMID: 16199547), and loss-of-function variants in FLNC are known to be pathogenic (PMID: 27908349). This variant is not present in population databases (gnomAD no frequency). This variant has not been reported in the literature in individuals affected with FLNC-related conditions. ClinVar contains an entry for this variant (Variation ID: 478125). For these reasons, this variant has been classified as Pathogenic.

GeneDx
Classification: Pathogenic. Last evaluated: 2025-03-24. Review status: criteria provided, single submitter. Criteria: GeneDx Variant Classification Process June 2021. Collection method: clinical testing. Allele origin: germline. Affected: yes.
Comment: Deletion of 27 nucleotide bases that spans the canonical splice acceptor site of intron 15 and is predicted to result in a null allele in a gene for which loss of function is a known mechanism of disease; Not observed at significant frequency in large population cohorts (gnomAD); Has not been previously published as pathogenic or benign to our knowledge

Literature cited by the submitters: PubMed 16199547 (cited by Labcorp Genetics (formerly Invitae), Labcorp); PubMed 27908349 (cited by Labcorp Genetics (formerly Invitae), Labcorp).

NM_001458.5(FLNC):c.2390-10_2406del

Gene: FLNC (filamin C; plus strand). Cytogenetic location: 7q32.1.
Variant type: Deletion.
Coding change: c.2390-10_2406del on transcript NM_001458.5 (MANE Select); 10 bases into the intron before coding-DNA position 2390 through coding-DNA position 2406, 27 bases deleted (TTCTCTGCAGGCGACGTGAGCATCGGC).
Molecular consequence: splice acceptor variant.
Genome position (GRCh38, 1-based): chr7:128,842,784-128,842,810, TTCTCTGCAGGCGACGTGAGCATCGGC deleted; deleting any 27 consecutive bases within chr7:128,842,782-128,842,810 gives the same sequence; the c. name uses the placement nearest the transcript's 3' end. VCF-style (leftmost placement, unchanged base first): chr7-128842781-CGCTTCTCTGCAGGCGACGTGAGCATCG-C. GRCh37 (hg19) VCF-style: chr7-128482835-CGCTTCTCTGCAGGCGACGTGAGCATCG-C.
Other names: c.2390-10_2406delTTCTCTGCAGGCGACGTGAGCATCGGC (NM_001458.4); c.2390-10_2406del (NM_001127487.2).
Identifiers: ClinVar variation 478125 (VCV000478125.14), dbSNP rs1554398674, ClinGen allele CA658657718.